The following is an entry in ClinVar:

ClinVar aggregate classification (germline): Uncertain significance (1 of 4 stars; one submission).

Allele frequency attached by ClinVar (database versions not stated): gnomAD exomes 0.00002.
gnomAD v4.1: 24 of 1,566,076 alleles (0.0015%); highest among the groups gnomAD compares: East Asian, 0.0023%; no homozygotes.

Submission:

Labcorp Genetics (formerly Invitae), Labcorp
Classification: Uncertain significance. Last evaluated: 2023-01-16. Review status: criteria provided, single submitter. Criteria: Invitae Variant Classification Sherloc (09022015). Collection method: clinical testing. Allele origin: germline.
Comment: This variant has not been reported in the literature in individuals affected with BRD4-related conditions. Algorithms developed to predict the effect of missense changes on protein structure and function are either unavailable or do not agree on the potential impact of this missense change (SIFT: "Deleterious"; PolyPhen-2: "Possibly Damaging"; Align-GVGD: "Class C0"). In summary, the available evidence is currently insufficient to determine the role of this variant in disease. Therefore, it has been classified as a Variant of Uncertain Significance. The frequency data for this variant in the population databases is considered unreliable, as metrics indicate poor data quality at this position in the gnomAD database. This sequence change replaces alanine, which is neutral and non-polar, with threonine, which is neutral and polar, at codon 865 of the BRD4 protein (p.Ala865Thr).

NM_001379291.1(BRD4):c.2593G>A (p.Ala865Thr)

Gene: BRD4 (bromodomain containing 4; minus strand). Cytogenetic location: 19p13.12.
Variant type: single nucleotide variant.
Coding change: c.2593G>A on transcript NM_001379291.1 (MANE Select); coding-DNA position 2593, G replaced by A.
Protein change: p.Ala865Thr; replaces alanine 865 with threonine.
Molecular consequence: missense variant.
Genome position (GRCh38, 1-based): chr19:15,243,476, C>T on the plus strand (G>A on the coding strand, the complement: BRD4 is on the minus strand). VCF-style: chr19-15243476-C-T. GRCh37 (hg19) VCF-style: chr19-15354287-C-T.
Other names: c.2593G>A, p.Ala865Thr (NM_058243.3); short protein forms A865T.
Identifiers: ClinVar variation 2808539 (VCV002808539.3), dbSNP rs1291730650, ClinGen allele CA404506407.